The following is an entry in ClinVar:

ClinVar aggregate classification (germline): Uncertain significance (1 of 4 stars; one submission).

Allele frequency attached by ClinVar (database versions not stated): gnomAD 0.00001; gnomAD exomes 0.00001; TOPMed 0.00001.
gnomAD v4.1: 4 of 1,125,390 alleles (0.00036%); highest among the groups gnomAD compares: Admixed American, 0.0028%; no homozygotes.

Submission:

Labcorp Genetics (formerly Invitae), Labcorp
Classification: Uncertain significance. Last evaluated: 2024-01-19. Review status: criteria provided, single submitter. Criteria: Invitae Variant Classification Sherloc (09022015). Collection method: clinical testing. Allele origin: germline.
Comment: This sequence change replaces proline, which is neutral and non-polar, with serine, which is neutral and polar, at codon 151 of the NYX protein (p.Pro151Ser). This variant is not present in population databases (gnomAD no frequency). This variant has not been reported in the literature in individuals affected with NYX-related conditions. ClinVar contains an entry for this variant (Variation ID: 1422960). Advanced modeling of protein sequence and biophysical properties (such as structural, functional, and spatial information, amino acid conservation, physicochemical variation, residue mobility, and thermodynamic stability) performed at Invitae indicates that this missense variant is not expected to disrupt NYX protein function with a negative predictive value of 80%. In summary, the available evidence is currently insufficient to determine the role of this variant in disease. Therefore, it has been classified as a Variant of Uncertain Significance.

NM_001378477.3(NYX):c.436C>T (p.Pro146Ser)

Gene: NYX (nyctalopin; plus strand). Cytogenetic location: Xp11.4.
Variant type: single nucleotide variant.
Coding change: c.436C>T on transcript NM_001378477.3 (MANE Select); coding-DNA position 436, C replaced by T.
Protein change: p.Pro146Ser; replaces proline 146 with serine.
Molecular consequence: missense variant.
Genome position (GRCh38, 1-based): chrX:41,473,904, C>T. VCF-style: chrX-41473904-C-T. GRCh37 (hg19) VCF-style: chrX-41333157-C-T.
Other names: c.436C>T, p.Pro146Ser (NM_022567.3); short protein forms P146S.
Identifiers: ClinVar variation 1422960 (VCV001422960.8), dbSNP rs759676419, ClinGen allele CA10389820.